The following is an entry in ClinVar:

NM_015425.6(POLR1A):c.1213G>A (p.Glu405Lys)

Gene: POLR1A (RNA polymerase I subunit A; minus strand). Cytogenetic location: 2p11.2.
Variant type: single nucleotide variant.
Coding change: c.1213G>A on transcript NM_015425.6 (MANE Select); coding-DNA position 1213, G replaced by A.
Protein change: p.Glu405Lys; replaces glutamic acid 405 with lysine.
Molecular consequence: missense variant.
Genome position (GRCh38, 1-based): chr2:86,078,158, C>T on the plus strand (G>A on the coding strand, the complement: POLR1A is on the minus strand). VCF-style: chr2-86078158-C-T. GRCh37 (hg19) VCF-style: chr2-86305281-C-T.
Other names: short protein forms E405K.
Identifiers: ClinVar variation 2775601 (VCV002775601.3), dbSNP rs2466441904, ClinGen allele CA347552293.

ClinVar aggregate classification (germline): Uncertain significance (1 of 4 stars; one submission).

Submission:

Labcorp Genetics (formerly Invitae), Labcorp
Classification: Uncertain significance. Last evaluated: 2023-08-11. Review status: criteria provided, single submitter. Criteria: Invitae Variant Classification Sherloc (09022015). Collection method: clinical testing. Allele origin: germline.
Comment: This sequence change replaces glutamic acid, which is acidic and polar, with lysine, which is basic and polar, at codon 405 of the POLR1A protein (p.Glu405Lys). This variant is not present in population databases (gnomAD no frequency). This variant has not been reported in the literature in individuals affected with POLR1A-related conditions. Advanced modeling of protein sequence and biophysical properties (such as structural, functional, and spatial information, amino acid conservation, physicochemical variation, residue mobility, and thermodynamic stability) performed at Invitae indicates that this missense variant is not expected to disrupt POLR1A protein function. In summary, the available evidence is currently insufficient to determine the role of this variant in disease. Therefore, it has been classified as a Variant of Uncertain Significance.